The following is an entry in ClinVar:

NM_000747.3(CHRNB1):c.790A>G (p.Ile264Val)

Gene: CHRNB1 (cholinergic receptor nicotinic beta 1 subunit; plus strand). Cytogenetic location: 17p13.1.
Variant type: single nucleotide variant.
Coding change: c.790A>G on transcript NM_000747.3 (MANE Select); coding-DNA position 790, A replaced by G.
Protein change: p.Ile264Val; replaces isoleucine 264 with valine.
Molecular consequence: missense variant.
Genome position (GRCh38, 1-based): chr17:7,448,758, A>G. VCF-style: chr17-7448758-A-G. GRCh37 (hg19) VCF-style: chr17-7352077-A-G.
Other names: short protein forms I264V.
Identifiers: ClinVar variation 3685567 (VCV003685567.2).

ClinVar aggregate classification (germline): Uncertain significance (1 of 4 stars; one submission).

Conditions:
Congenital myasthenic syndrome 2A. Also called: Myasthenic syndrome, congenital, 2a, slow-channel. Identifiers: Orphanet 590, MedGen C4225374, MONDO:0014581, OMIM 616313.

Submission:

Labcorp Genetics (formerly Invitae), Labcorp
Classification: Uncertain significance for Congenital myasthenic syndrome 2A. Last evaluated: 2024-06-08. Review status: criteria provided, single submitter. Criteria: Invitae Variant Classification Sherloc (09022015). Collection method: clinical testing. Allele origin: germline.
Comment: This sequence change replaces isoleucine, which is neutral and non-polar, with valine, which is neutral and non-polar, at codon 264 of the CHRNB1 protein (p.Ile264Val). This variant is not present in population databases (gnomAD no frequency). This variant has not been reported in the literature in individuals affected with CHRNB1-related conditions. Advanced modeling of protein sequence and biophysical properties (such as structural, functional, and spatial information, amino acid conservation, physicochemical variation, residue mobility, and thermodynamic stability) performed at Invitae indicates that this missense variant is not expected to disrupt CHRNB1 protein function with a negative predictive value of 80%. In summary, the available evidence is currently insufficient to determine the role of this variant in disease. Therefore, it has been classified as a Variant of Uncertain Significance.